The following is an entry in ClinVar:

NM_002016.2(FLG):c.4271_4272del (p.Lys1424fs)

Genes: CCDST (cervical cancer associated DHX9 suppressive transcript; plus strand), FLG (filaggrin; minus strand). Cytogenetic location: 1q21.3.
Variant type: Deletion.
Coding change: c.4271_4272del on transcript NM_002016.2 (MANE Select); coding-DNA positions 4271 to 4272, 2 bases deleted (AA; older notation c.4271_4272delAA).
Protein change: p.Lys1424fs; shifts the reading frame from lysine 1424.
Molecular consequence: frameshift variant.
Genome position (GRCh38, 1-based): chr1:152,310,614-152,310,615, TT deleted on the plus strand (AA on the coding strand, the reverse complement: FLG is on the minus strand); deleting any 2 consecutive bases within chr1:152,310,614-152,310,616 gives the same sequence; the c. name uses the placement nearest the transcript's 3' end. VCF-style (leftmost placement, unchanged base first): chr1-152310613-CTT-C. GRCh37 (hg19) VCF-style: chr1-152283089-CTT-C.
Other names: short protein forms K1424fs.
Identifiers: ClinVar variation 3026365 (VCV003026365.24), dbSNP rs749451902, ClinGen allele CA1106303.

ClinVar aggregate classification (germline): Likely pathogenic. Review status: criteria provided, multiple submitters, no conflicts (2 of 4 stars). 3 submissions from 3 submitters: Likely pathogenic (3). Last evaluated 2024-02-01.

Conditions:
Dermatitis, atopic, 2. Identifiers: MedGen C1853965, MONDO:0011596, OMIM 605803.
Ichthyosis vulgaris. Also called: ICHTHYOSIS SIMPLEX; Dominant ichthyosis vulgaris. Identifiers: MedGen C0079584, MONDO:0024304, OMIM 146700.

Submissions (3):

CeGaT Center for Human Genetics Tuebingen
Classification: Likely pathogenic. Last evaluated: 2024-02-01. Review status: criteria provided, single submitter. Criteria: CeGaT Center For Human Genetics Tuebingen Variant Classification Criteria Version 2. Collection method: clinical testing. Allele origin: germline. Affected: yes. Observed: 2 variant alleles.
Comment: FLG: PVS1:Strong, PM2, PS4:Moderate, PP4

Department of Pathology and Laboratory Medicine, Sinai Health System
Classification: Likely pathogenic for Ichthyosis vulgaris. Last evaluated: 2022-09-15. Review status: criteria provided, single submitter. Criteria: ACMG Guidelines, 2015. Collection method: research. Allele origin: germline.

Juno Genomics, Hangzhou Juno Genomics, Inc
Classification: Likely pathogenic for Dermatitis, atopic, 2; Ichthyosis vulgaris. Review status: criteria provided, single submitter. Criteria: ACMG Guidelines, 2015. Collection method: clinical testing. Allele origin: germline.
Comment: Absent from controls (or at extremely low frequency if recessive) in Genome Aggregation Database.;Null variant in a gene where loss of function (LOF) is a known mechanism of disease.;The prevalence of the variant in affected individuals is significantly increased compared to the prevalence in controls.;Patient's phenotype or family history is highly specific for a disease with a single genetic etiology.